The following is an entry in ClinVar:

ClinVar aggregate classification (germline): Uncertain significance (1 of 4 stars; one submission).

gnomAD v4.1: 4 of 1,592,670 alleles (0.00025%); highest among the groups gnomAD compares: Admixed American, 0.0069%; no homozygotes.

Submission:

Labcorp Genetics (formerly Invitae), Labcorp
Classification: Uncertain significance. Last evaluated: 2025-02-21. Review status: criteria provided, single submitter. Criteria: Invitae Variant Classification Sherloc (09022015). Collection method: clinical testing. Allele origin: germline.
Comment: This sequence change falls in intron 2 of the RPS27 gene. It does not directly change the encoded amino acid sequence of the RPS27 protein. It affects a nucleotide within the consensus splice site. This variant is not present in population databases (gnomAD no frequency). This variant has not been reported in the literature in individuals affected with RPS27-related conditions. Variants that disrupt the consensus splice site are a relatively common cause of aberrant splicing (PMID: 17576681, 9536098). Algorithms developed to predict the effect of sequence changes on RNA splicing suggest that this variant is not likely to affect RNA splicing. In summary, the available evidence is currently insufficient to determine the role of this variant in disease. Therefore, it has been classified as a Variant of Uncertain Significance.

Literature cited by the submitters: PubMed 17576681; PubMed 9536098.

NM_001030.6(RPS27):c.115+4A>G

Genes: RPS27 (ribosomal protein S27; plus strand), LOC126805872 (BRD4-independent group 4 enhancer GRCh37_chr1:153962963-153964162; plus strand). Cytogenetic location: 1q21.3.
Variant type: single nucleotide variant.
Coding change: c.115+4A>G on transcript NM_001030.6 (MANE Select); 4 bases into the intron after coding-DNA position 115, A replaced by G.
Molecular consequence: intron variant.
Genome position (GRCh38, 1-based): chr1:153,991,227, A>G. VCF-style: chr1-153991227-A-G. GRCh37 (hg19) VCF-style: chr1-153963703-A-G.
Other names: c.19+4A>G (NM_001349947.2, NM_001349946.2).
Identifiers: ClinVar variation 4741832 (VCV004741832.1).